The following is an entry in ClinVar:

NM_145207.3(AFG2A):c.223A>G (p.Met75Val)

Gene: AFG2A (AAA ATPase AFG2A; plus strand). Cytogenetic location: 4q28.1.
Variant type: single nucleotide variant.
Coding change: c.223A>G on transcript NM_145207.3 (MANE Select); coding-DNA position 223, A replaced by G.
Protein change: p.Met75Val; replaces methionine 75 with valine.
Molecular consequence: missense variant.
Genome position (GRCh38, 1-based): chr4:122,927,693, A>G. VCF-style: chr4-122927693-A-G. GRCh37 (hg19) VCF-style: chr4-123848848-A-G.
Other names: c.220A>G, p.Met74Val (NM_001317799.2, NM_001345856.2); short protein forms M74V, M75V.
Identifiers: ClinVar variation 661589 (VCV000661589.4), dbSNP rs1311055750, ClinGen allele CA358099253.

ClinVar aggregate classification (germline): Uncertain significance. Review status: criteria provided, multiple submitters, no conflicts (2 of 4 stars). 2 submissions from 2 submitters: Uncertain significance (2). Last evaluated 2025-03-11.

Conditions:
Microcephaly-intellectual disability-sensorineural hearing loss-epilepsy-abnormal muscle tone syndrome (NEDHSB). Also called: NEURODEVELOPMENTAL DISORDER WITH HEARING LOSS, SEIZURES, AND BRAIN ABNORMALITIES. Identifiers: Orphanet 457351, MedGen C4225276, MONDO:0014698, OMIM 616577.

Allele frequency attached by ClinVar (database versions not stated): gnomAD exomes below 0.00001; gnomAD 0.00001; TOPMed 0.00001.
gnomAD v4.1: 5 of 1,613,198 alleles (0.00031%); highest among the groups gnomAD compares: African/African-American, 0.0027%; no homozygotes.

Submissions (2):

3billion
Classification: Uncertain significance for Microcephaly-intellectual disability-sensorineural hearing loss-epilepsy-abnormal muscle tone syndrome. Last evaluated: 2025-03-11. Review status: criteria provided, single submitter. Criteria: ACMG Guidelines, 2015. Collection method: clinical testing. Allele origin: germline. Affected: yes.

Labcorp Genetics (formerly Invitae), Labcorp
Classification: Uncertain significance for Microcephaly-intellectual disability-sensorineural hearing loss-epilepsy-abnormal muscle tone syndrome. Last evaluated: 2022-08-21. Review status: criteria provided, single submitter. Criteria: Invitae Variant Classification Sherloc (09022015). Collection method: clinical testing. Allele origin: germline.
Comment: This sequence change replaces methionine, which is neutral and non-polar, with valine, which is neutral and non-polar, at codon 75 of the SPATA5 protein (p.Met75Val). This variant is not present in population databases (gnomAD no frequency). This variant has not been reported in the literature in individuals affected with SPATA5-related conditions. ClinVar contains an entry for this variant (Variation ID: 661589). Advanced modeling of protein sequence and biophysical properties (such as structural, functional, and spatial information, amino acid conservation, physicochemical variation, residue mobility, and thermodynamic stability) performed at Invitae indicates that this missense variant is expected to disrupt SPATA5 protein function. In summary, the available evidence is currently insufficient to determine the role of this variant in disease. Therefore, it has been classified as a Variant of Uncertain Significance.